The following is an entry in ClinVar:

NM_000070.3(CAPN3):c.193C>G (p.His65Asp)

Gene: CAPN3 (calpain 3; plus strand). Cytogenetic location: 15q15.1.
Variant type: single nucleotide variant.
Coding change: c.193C>G on transcript NM_000070.3 (MANE Select); coding-DNA position 193, C replaced by G.
Protein change: p.His65Asp; replaces histidine 65 with aspartic acid.
Molecular consequence: missense variant.
Genome position (GRCh38, 1-based): chr15:42,359,998, C>G. VCF-style: chr15-42359998-C-G. GRCh37 (hg19) VCF-style: chr15-42652196-C-G.
Other names: c.193C>G, p.His65Asp (NM_024344.2, NM_173087.2); short protein forms H65D.
Identifiers: ClinVar variation 536515 (VCV000536515.9), dbSNP rs898013388, ClinGen allele CA269853942.

ClinVar aggregate classification (germline): Conflicting classifications of pathogenicity. Review status: criteria provided, conflicting classifications (1 of 4 stars). 4 submissions from 4 submitters: Likely pathogenic (1); Uncertain significance (2). 1 of the submissions does not count toward it. Last evaluated 2025-07-09.

Conditions:
Autosomal recessive limb-girdle muscular dystrophy type 2A (LGMDR1). Also called: Limb-girdle muscular dystrophy, type 2A; MUSCULAR DYSTROPHY, PELVOFEMORAL; Calpainopathy; Muscular dystrophy, limb-girdle, type 2A, Amish; LEYDEN-MOEBIUS MUSCULAR DYSTROPHY. Identifiers: Orphanet 267, MedGen C1869123, MONDO:0009675, OMIM 253600. Disease mechanism: loss of function.
CAPN3-related disorder. Also called: CAPN3-related disorders; CAPN3-related condition. Identifiers: MedGen CN239245.

Allele frequency attached by ClinVar (database versions not stated): TOPMed below 0.00001.
gnomAD v4.1: 4 of 1,614,230 alleles (0.00025%); highest among the groups gnomAD compares: Non-Finnish European, 0.00025%; no homozygotes.

Submissions (4):

Women's Health and Genetics/Laboratory Corporation of America, LabCorp
Classification: Uncertain significance. Last evaluated: 2025-07-09. Review status: criteria provided, single submitter. Criteria: LabCorp Variant Classification Summary - May 2015. Collection method: clinical testing. Allele origin: germline.
Comment: Variant summary: CAPN3 c.193C>G (p.His65Asp) results in a non-conservative amino acid change located in the Peptidase C2, calpain, catalytic domain (IPR001300) of the encoded protein sequence. Algorithms developed to predict the effect of missense changes on protein structure and function all suggest that this variant is likely to be disruptive. The variant was absent in 251046 control chromosomes. The available data on variant occurrences in the general population are insufficient to allow any conclusion about variant significance. c.193C>G has been reported in the literature in one individual affected with Limb-Girdle Muscular Dystrophy, Autosomal Recessive (Groen_2007). These data do not allow any conclusion about variant significance. To our knowledge, no experimental evidence demonstrating an impact on protein function has been reported. The following publication have been ascertained in the context of this evaluation (PMID: 18055493). ClinVar contains an entry for this variant (Variation ID: 536515). Based on the evidence outlined above, the variant was classified as uncertain significance.

Labcorp Genetics (formerly Invitae), Labcorp
Classification: Uncertain significance for Autosomal recessive limb-girdle muscular dystrophy type 2A. Last evaluated: 2022-06-27. Review status: criteria provided, single submitter. Criteria: Invitae Variant Classification Sherloc (09022015). Collection method: clinical testing. Allele origin: germline.
Comment: This sequence change replaces histidine, which is basic and polar, with aspartic acid, which is acidic and polar, at codon 65 of the CAPN3 protein (p.His65Asp). This variant is not present in population databases (gnomAD no frequency). This missense change has been observed in individual(s) with autosomal recessive limb-girdle muscular dystrophy (LGMD) (PMID: 18055493). ClinVar contains an entry for this variant (Variation ID: 536515). Algorithms developed to predict the effect of missense changes on protein structure and function (SIFT, PolyPhen-2, Align-GVGD) all suggest that this variant is likely to be tolerated. In summary, the available evidence is currently insufficient to determine the role of this variant in disease. Therefore, it has been classified as a Variant of Uncertain Significance.

Blueprint Genetics
Classification: Likely pathogenic for CAPN3-related disorders. Last evaluated: 2021-03-08. Review status: criteria provided, single submitter. Criteria: ACMG Guidelines, 2015. Collection method: clinical testing. Allele origin: germline. Affected: yes. Observed: 2 variant alleles.

Natera, Inc.
Classification: Uncertain significance for Limb-girdle muscular dystrophy type 2A. Last evaluated: 2020-10-07. Review status: no assertion criteria provided. Collection method: clinical testing. Allele origin: germline. Not counted in ClinVar's aggregate classification.

Literature cited by the submitters: PubMed 18055493 (cited by Women's Health and Genetics/Laboratory Corporation of America, LabCorp and Labcorp Genetics (formerly Invitae), Labcorp).